The following is an entry in ClinVar:

ClinVar aggregate classification (germline): Likely benign. Review status: criteria provided, single submitter (1 of 4 stars). 2 submissions from 2 submitters: Likely benign (1). 1 of the submissions does not count toward it. Last evaluated 2024-02-21.

Conditions:
GNAS-related disorder. Identifiers: MedGen CN380105.

Allele frequency attached by ClinVar (database versions not stated): 1000 Genomes Project 30x 0.00016.
gnomAD v4.1: 31 of 1,614,078 alleles (0.0019%); highest among the groups gnomAD compares: South Asian, 0.032%; no homozygotes.

Submissions (2):

Labcorp Genetics (formerly Invitae), Labcorp
Classification: Likely benign. Last evaluated: 2024-02-21. Review status: criteria provided, single submitter. Criteria: Invitae Variant Classification Sherloc (09022015). Collection method: clinical testing. Allele origin: germline.

PreventionGenetics, part of Exact Sciences
Classification: Likely benign for GNAS-related condition. Last evaluated: 2019-05-07. Review status: no assertion criteria provided. Collection method: clinical testing. Allele origin: germline. Not counted in ClinVar's aggregate classification.
Comment: This variant is classified as likely benign based on ACMG/AMP sequence variant interpretation guidelines (Richards et al. 2015 PMID: 25741868, with internal and published modifications).

NM_000516.7(GNAS):c.324C>G (p.Ala108=)

Gene: GNAS (GNAS complex locus; plus strand). Cytogenetic location: 20q13.32.
Variant type: single nucleotide variant.
Coding change: c.324C>G on transcript NM_000516.7 (MANE Select); coding-DNA position 324, C replaced by G.
Protein change: p.Ala108=; no amino-acid change (alanine 108 retained).
Molecular consequence: synonymous variant. On other transcripts: 3 prime UTR variant (2).
Genome position (GRCh38, 1-based): chr20:58,903,683, C>G. VCF-style: chr20-58903683-C-G. GRCh37 (hg19) VCF-style: chr20-57478738-C-G.
Other names: c.324C>G (NM_000516.5); c.327C>G, p.Ala109= (NM_001077488.5); c.279C>G, p.Ala93= (NM_001077489.4); c.*185C>G (NM_001077490.3); c.147C>G, p.Ala49= (NM_001309840.2, NM_001309861.2); c.228C>G, p.Ala76= (NM_001410912.1); c.2208C>G, p.Ala736= (NM_001410913.1); c.*230C>G (NM_016592.5); and 2 more.
Identifiers: ClinVar variation 2167996 (VCV002167996.6), dbSNP rs559448095, ClinGen allele CA9927064.